The following is an entry in ClinVar:

ClinVar aggregate classification (germline): Uncertain significance (1 of 4 stars; one submission).

Conditions:
Intellectual developmental disorder, autosomal dominant 46. Also called: MENTAL RETARDATION, AUTOSOMAL DOMINANT 46; Intellectual disability, autosomal dominant 46. Identifiers: MedGen C4539851, MONDO:0030911, OMIM 617601.

Submission:

New York Genome Center
Classification: Uncertain significance for Intellectual developmental disorder, autosomal dominant 46. Last evaluated: 2021-02-24. Review status: criteria provided, single submitter. Criteria: NYGC Assertion Criteria 2020. Collection method: clinical testing. Allele origin: germline. Observed: 1 heterozygote. Study: CSER-NYCKidSeq.
Comment: The c.292A>G, p.Ser98Gly missense variant identified in KCNQ5 has not been reported in the literature. This variant is absent in the gnomAD v3.1database, indicating this is a rare allele. In silico analysis predicts conflicting effect of pathogenicity [PMID:27268795] and the position is not strongly conserved (GERP++ = 1.91). Based on the available evidence, the missense variant c.292A>G, p.Ser98Glyin the KCNQ5 gene is classified as a Variant of Uncertain Significance.

NM_019842.4(KCNQ5):c.292A>G (p.Ser98Gly)

Genes: KCNQ5 (potassium voltage-gated channel subfamily Q member 5; plus strand), KCNQ5-DT (KCNQ5 divergent transcript; minus strand). Cytogenetic location: 6q13.
Variant type: single nucleotide variant.
Coding change: c.292A>G on transcript NM_019842.4 (MANE Select); coding-DNA position 292, A replaced by G.
Protein change: p.Ser98Gly; replaces serine 98 with glycine.
Molecular consequence: missense variant.
Genome position (GRCh38, 1-based): chr6:72,622,481, A>G. VCF-style: chr6-72622481-A-G. GRCh37 (hg19) VCF-style: chr6-73332209-A-G.
Other names: c.292A>G, p.Ser98Gly (NM_001160130.2, NM_001160132.2, NM_001160133.2 and 1 more transcripts); short protein forms S98G.
Identifiers: ClinVar variation 1342329 (VCV001342329.1), dbSNP rs2154471235, ClinGen allele CA364824533.